The following is an entry in ClinVar:

NM_018344.6(SLC29A3):c.443T>G (p.Val148Gly)

Gene: SLC29A3 (solute carrier family 29 member 3; plus strand). Cytogenetic location: 10q22.1.
Variant type: single nucleotide variant.
Coding change: c.443T>G on transcript NM_018344.6 (MANE Select); coding-DNA position 443, T replaced by G.
Protein change: p.Val148Gly; replaces valine 148 with glycine.
Molecular consequence: missense variant. On other transcripts: non-coding transcript variant (1).
Genome position (GRCh38, 1-based): chr10:71,351,621, T>G. VCF-style: chr10-71351621-T-G. GRCh37 (hg19) VCF-style: chr10-73111378-T-G.
Other names: c.443T>G, p.Val148Gly (NM_001174098.2); c.209T>G, p.Val70Gly (NM_001363518.2); short protein forms V148G, V70G.
Identifiers: ClinVar variation 2108910 (VCV002108910.4), dbSNP rs2492467170, ClinGen allele CA377109426.

ClinVar aggregate classification (germline): Uncertain significance (1 of 4 stars; one submission).

Conditions:
H syndrome. Also called: Asrar Facharzt Haque syndrome; Pigmented hypertrichosis and insulin-dependent diabetes mellitus; FAISALABAD HISTIOCYTOSIS; HISTIOCYTOSIS AND LYMPHADENOPATHY WITH OR WITHOUT CUTANEOUS, CARDIAC, AND/OR ENDOCRINE FEATURES, JOINT CONTRACTURES, AND/OR DEAFNESS; HYPERPIGMENTATION, CUTANEOUS, WITH HYPERTRICHOSIS, HEPATOSPLENOMEGALY, HEART ANOMALIES, AND HYPOGONADISM WITH OR WITHOUT HEARING LOSS; PIGMENTED HYPERTRICHOSIS WITH INSULIN-DEPENDENT DIABETES MELLITUS. Identifiers: Orphanet 168569, MedGen C1864445, MONDO:0011273, OMIM 602782.

gnomAD v4.1: 1 of 1,614,190 alleles (0.000062%); highest among the groups gnomAD compares: Non-Finnish European, 0.000085%; no homozygotes.

Submission:

Labcorp Genetics (formerly Invitae), Labcorp
Classification: Uncertain significance for H syndrome. Last evaluated: 2022-03-11. Review status: criteria provided, single submitter. Criteria: Invitae Variant Classification Sherloc (09022015). Collection method: clinical testing. Allele origin: germline.
Comment: In summary, the available evidence is currently insufficient to determine the role of this variant in disease. Therefore, it has been classified as a Variant of Uncertain Significance. Algorithms developed to predict the effect of missense changes on protein structure and function are either unavailable or do not agree on the potential impact of this missense change (SIFT: "Deleterious"; PolyPhen-2: "Benign"; Align-GVGD: "Class C0"). This variant has not been reported in the literature in individuals affected with SLC29A3-related conditions. This variant is not present in population databases (gnomAD no frequency). This sequence change replaces valine, which is neutral and non-polar, with glycine, which is neutral and non-polar, at codon 148 of the SLC29A3 protein (p.Val148Gly).